The following is an entry in ClinVar:

ClinVar aggregate classification (germline): Likely pathogenic (1 of 4 stars; one submission).

Allele frequency attached by ClinVar (database versions not stated): gnomAD exomes below 0.00001; TOPMed below 0.00001; gnomAD 0.00001.
gnomAD v4.1: 6 of 1,614,066 alleles (0.00037%); highest among the groups gnomAD compares: Non-Finnish European, 0.00042%; no homozygotes.

Submission:

Labcorp Genetics (formerly Invitae), Labcorp
Classification: Likely pathogenic. Last evaluated: 2024-02-26. Review status: criteria provided, single submitter. Criteria: Invitae Variant Classification Sherloc (09022015). Collection method: clinical testing. Allele origin: germline.
Comment: This sequence change replaces glycine, which is neutral and non-polar, with serine, which is neutral and polar, at codon 149 of the CD40 protein (p.Gly149Ser). This variant is present in population databases (no rsID available, gnomAD 0.002%). This missense change has been observed in individual(s) with hyper Ig M syndrome (PMID: 38363450; Invitae). In at least one individual the data is consistent with being in trans (on the opposite chromosome) from a pathogenic variant. Advanced modeling of protein sequence and biophysical properties (such as structural, functional, and spatial information, amino acid conservation, physicochemical variation, residue mobility, and thermodynamic stability) performed at Invitae indicates that this missense variant is expected to disrupt CD40 protein function with a positive predictive value of 80%. In summary, the currently available evidence indicates that the variant is pathogenic, but additional data are needed to prove that conclusively. Therefore, this variant has been classified as Likely Pathogenic.

Literature cited by the submitters: PubMed 38363450.

NM_001250.6(CD40):c.445G>A (p.Gly149Ser)

Gene: CD40 (CD40 molecule; plus strand). Cytogenetic location: 20q13.12.
Variant type: single nucleotide variant.
Coding change: c.445G>A on transcript NM_001250.6 (MANE Select); coding-DNA position 445, G replaced by A.
Protein change: p.Gly149Ser; replaces glycine 149 with serine.
Molecular consequence: missense variant. On other transcripts: intron variant (2).
Genome position (GRCh38, 1-based): chr20:46,123,167, G>A. VCF-style: chr20-46123167-G-A. GRCh37 (hg19) VCF-style: chr20-44751806-G-A.
Other names: c.445G>A, p.Gly149Ser (NM_001302753.2, NM_001322421.2, NM_001362758.2 and 1 more transcripts); c.403+411G>A (NM_001424339.1, NM_001322422.2); short protein forms G149S.
Identifiers: ClinVar variation 2777170 (VCV002777170.3), dbSNP rs1194453106, ClinGen allele CA409206390.
Genomic context (GRCh38, chr20:46,123,167, plus strand): 5'-CCTCCCCACCCACTCCCAGCTACAGGGGTTTCTGATACCATCTGCGAGCCCTGCCCAGTC[G>A]GCTTCTTCTCCAATGTGTCATCTGCTTTCGAAAAATGTCACCCTTGGACAAGGTATAAGC-3'
Protein context (NP_001241.1, residues 139-159): SDTICEPCPV[Gly149Ser]FFSNVSSAFE